The following is an entry in ClinVar:

ClinVar aggregate classification (germline): Benign/Likely benign. Review status: criteria provided, multiple submitters, no conflicts (2 of 4 stars). 3 submissions from 3 submitters: Benign (1); Likely benign (1). 1 of the submissions does not count toward it. Last evaluated 2026-01-20.

Conditions:
NONO-related disorder. Also called: NONO-related condition.

Submissions (3):

Labcorp Genetics (formerly Invitae), Labcorp
Classification: Benign. Last evaluated: 2026-01-20. Review status: criteria provided, single submitter. Criteria: Invitae Variant Classification Sherloc (09022015). Collection method: clinical testing. Allele origin: germline.

Blueprint Genetics
Classification: Likely benign. Last evaluated: 2024-10-08. Review status: criteria provided, single submitter. Criteria: ACMG Guidelines, 2015. Collection method: clinical testing. Allele origin: germline.

PreventionGenetics, part of Exact Sciences
Classification: Likely benign for NONO-related condition. Last evaluated: 2021-06-01. Review status: no assertion criteria provided. Collection method: clinical testing. Allele origin: germline. Not counted in ClinVar's aggregate classification.
Comment: This variant is classified as likely benign based on ACMG/AMP sequence variant interpretation guidelines (Richards et al. 2015 PMID: 25741868, with internal and published modifications).

NM_007363.5(NONO):c.1282-2dup

Gene: NONO (non-POU domain containing octamer binding; plus strand). Cytogenetic location: Xq13.1.
Variant type: Duplication.
Coding change: c.1282-2dup on transcript NM_007363.5 (MANE Select); the canonical splice acceptor site of the intron before coding-DNA position 1282, one base duplicated (A; older notation c.1282-2dupA).
Molecular consequence: splice acceptor variant.
Genome position (GRCh38, 1-based): chrX:71,299,940, A duplicated; the last of 2 consecutive A bases (chrX:71,299,939-71,299,940); duplicating either gives the same sequence. VCF-style (leftmost placement, unchanged base first): chrX-71299938-T-TA. GRCh37 (hg19) VCF-style: chrX-70519788-T-TA.
Other names: c.1282-2dup (NM_001145408.2, NM_001145409.2, NM_001145408.1); c.1015-2dup (NM_001145410.2).
Identifiers: ClinVar variation 732815 (VCV000732815.12), dbSNP rs750124873, ClinGen allele CA10446209.